The following is an entry in ClinVar:

ClinVar aggregate classification (germline): Uncertain significance (1 of 4 stars; one submission).

Conditions:
Inborn genetic diseases. Identifiers: MedGen C0950123, MeSH D030342.

Allele frequency attached by ClinVar (database versions not stated): TOPMed below 0.00001; gnomAD 0.00001.
gnomAD v4.1: 11 of 1,604,166 alleles (0.00069%); highest among the groups gnomAD compares: Non-Finnish European, 0.00094%; no homozygotes.

Submission:

Ambry Genetics
Classification: Uncertain significance for Inborn genetic diseases. Last evaluated: 2021-02-04. Review status: criteria provided, single submitter. Criteria: Ambry Variant Classification Scheme 2023. Collection method: clinical testing. Allele origin: germline.
Comment: The p.V790G variant (also known as c.2369T>G), located in coding exon 14 of the SCN11A gene, results from a T to G substitution at nucleotide position 2369. The valine at codon 790 is replaced by glycine, an amino acid with dissimilar properties. This amino acid position is not well conserved in available vertebrate species. In addition, this alteration is predicted to be deleterious by in silico analysis. Since supporting evidence is limited at this time, the clinical significance of this alteration remains unclear.

NM_001349253.2(SCN11A):c.2369T>G (p.Val790Gly)

Gene: SCN11A (sodium voltage-gated channel alpha subunit 11; minus strand). Cytogenetic location: 3p22.2.
Variant type: single nucleotide variant.
Coding change: c.2369T>G on transcript NM_001349253.2 (MANE Select); coding-DNA position 2369, T replaced by G.
Protein change: p.Val790Gly; replaces valine 790 with glycine.
Molecular consequence: missense variant.
Genome position (GRCh38, 1-based): chr3:38,896,879, A>C on the plus strand (T>G on the coding strand, the complement: SCN11A is on the minus strand). VCF-style: chr3-38896879-A-C. GRCh37 (hg19) VCF-style: chr3-38938370-A-C.
Other names: c.2369T>G, p.Val790Gly (NM_014139.3); short protein forms V790G.
Identifiers: ClinVar variation 1790260 (VCV001790260.2), dbSNP rs1195329279, ClinGen allele CA352157332.